The following is an entry in ClinVar:

ClinVar aggregate classification (germline): Uncertain significance. Review status: criteria provided, multiple submitters, no conflicts (2 of 4 stars). 2 submissions from 2 submitters: Uncertain significance (2). Last evaluated 2022-05-15.

Conditions:
Inborn genetic diseases. Identifiers: MedGen C0950123, MeSH D030342.
Dyskeratosis congenita, autosomal dominant 6 (DKCA6). Identifiers: Orphanet 3322, MedGen C4225284, MONDO:0014690, OMIM 616553.

Submissions (2):

Ambry Genetics
Classification: Uncertain significance for Inborn genetic diseases. Last evaluated: 2022-05-15. Review status: criteria provided, single submitter. Criteria: Ambry Variant Classification Scheme 2023. Collection method: clinical testing. Allele origin: germline.
Comment: The p.A40V variant (also known as c.119C>T), located in coding exon 1 of the ACD gene, results from a C to T substitution at nucleotide position 119. The alanine at codon 40 is replaced by valine, an amino acid with similar properties. This amino acid position is conserved. In addition, this alteration is predicted to be tolerated by in silico analysis. Since supporting evidence is limited at this time, the clinical significance of this alteration remains unclear.

Labcorp Genetics (formerly Invitae), Labcorp
Classification: Uncertain significance for Dyskeratosis congenita, autosomal dominant 6. Last evaluated: 2019-04-06. Review status: criteria provided, single submitter. Criteria: Invitae Variant Classification Sherloc (09022015). Collection method: clinical testing. Allele origin: germline.
Comment: This sequence change replaces alanine with valine at codon 40 of the ACD protein (p.Ala40Val). The alanine residue is weakly conserved and there is a small physicochemical difference between alanine and valine. This variant is not present in population databases (ExAC no frequency). This variant has not been reported in the literature in individuals with ACD-related conditions. Algorithms developed to predict the effect of missense changes on protein structure and function are either unavailable or do not agree on the potential impact of this missense change (SIFT: "Deleterious"; PolyPhen-2: "Possibly Damaging"; Align-GVGD: "Class C0"). In summary, the available evidence is currently insufficient to determine the role of this variant in disease. Therefore, it has been classified as a Variant of Uncertain Significance.

NM_001082486.1(ACD):c.119C>T (p.Ala40Val)

Genes: ACD (ACD shelterin complex subunit and telomerase recruitment factor; minus strand), LOC130059224 (ATAC-STARR-seq lymphoblastoid silent region 7617; plus strand). Cytogenetic location: 16q22.1.
Variant type: single nucleotide variant.
Coding change: c.119C>T on transcript NM_001082486.1; coding-DNA position 119, C replaced by T.
Protein change: p.Ala40Val; replaces alanine 40 with valine.
Genome position (GRCh38, 1-based): chr16:67,660,360, G>A on the plus strand (C>T on the coding strand, the complement: ACD is on the minus strand). VCF-style: chr16-67660360-G-A. GRCh37 (hg19) VCF-style: chr16-67694263-G-A.
Other names: short protein forms A40V.
Identifiers: ClinVar variation 849856 (VCV000849856.5), dbSNP rs374417270, ClinGen allele CA396359704.